The following is an entry in ClinVar:

ClinVar aggregate classification (germline): Uncertain significance (1 of 4 stars; one submission).

Conditions:
Hypertrophic cardiomyopathy. Also called: HYPERTROPHIC MYOCARDIOPATHY. Identifiers: Orphanet 217569, MedGen C0007194, MeSH D002312, MONDO:0005045, HP:0001639.

Submission:

Loeys Lab, Universiteit Antwerpen
Classification: Uncertain significance for Hypertrophic cardiomyopathy. Last evaluated: 2021-02-26. Review status: criteria provided, single submitter. Criteria: ACMG Guidelines, 2015. Collection method: clinical testing. Allele origin: somatic. Affected: yes. Observed: 2 variant alleles, 2 heterozygotes.
Comment: This sequence change results in a change of two subsequent amino acids in the TMEM43 gene (p.(Gln137_Gln138delinsHisLys)). The variant is absent from population databases such as gnomAD (PM2). The variant has not been described before. Functional studies have not been performed. The variant affects two moderately conserved nucleotides and two highly conserved amino acids. We identified this variant in a family with HCM. In conclusion this variant was classified a variant of unknown significance according to ACMG-guidelines (insufficient data, criteria for other classification are not met: PM2, weak PP1).

NM_000364.2:c.411_412delinsTA

Gene: TNNT2 (troponin T2, cardiac type; minus strand).
Variant type: Indel.
Identifiers: ClinVar variation 1065187 (VCV001065187.2).